The following is an entry in ClinVar:

NM_000465.4(BARD1):c.868G>A (p.Asp290Asn)

Gene: BARD1 (BRCA1 associated RING domain 1; minus strand). Cytogenetic location: 2q35.
Variant type: single nucleotide variant.
Coding change: c.868G>A on transcript NM_000465.4 (MANE Select); coding-DNA position 868, G replaced by A.
Protein change: p.Asp290Asn; replaces aspartic acid 290 with asparagine.
Molecular consequence: missense variant. On other transcripts: non-coding transcript variant (2), intron variant (3).
Genome position (GRCh38, 1-based): chr2:214,781,006, C>T on the plus strand (G>A on the coding strand, the complement: BARD1 is on the minus strand). VCF-style: chr2-214781006-C-T. GRCh37 (hg19) VCF-style: chr2-215645730-C-T.
Other names: c.811G>A, p.Asp271Asn (NM_001282543.2); c.158+28406G>A (NM_001282548.2); c.215+16055G>A (NM_001282545.2); c.364+11291G>A (NM_001282549.2); short protein forms D271N, D290N.
Identifiers: ClinVar variation 665579 (VCV000665579.9), dbSNP rs1574818847, ClinGen allele CA350455193.

ClinVar aggregate classification (germline): Uncertain significance (1 of 4 stars; one submission).

Conditions:
Familial cancer of breast. Also called: BREAST CANCER, FAMILIAL; hereditary breast carcinoma; Hereditary breast cancer. Identifiers: Orphanet 227535, MedGen C0346153, MONDO:0016419, OMIM 114480. Disease mechanism: loss of function.

Submission:

Labcorp Genetics (formerly Invitae), Labcorp
Classification: Uncertain significance for Familial cancer of breast. Last evaluated: 2018-12-04. Review status: criteria provided, single submitter. Criteria: Invitae Variant Classification Sherloc (09022015). Collection method: clinical testing. Allele origin: germline.
Comment: In summary, the available evidence is currently insufficient to determine the role of this variant in disease. Therefore, it has been classified as a Variant of Uncertain Significance. Algorithms developed to predict the effect of missense changes on protein structure and function (SIFT, PolyPhen-2, Align-GVGD) all suggest that this variant is likely to be tolerated, but these predictions have not been confirmed by published functional studies and their clinical significance is uncertain. This variant has not been reported in the literature in individuals with BARD1-related conditions. This variant is not present in population databases (ExAC no frequency). This sequence change replaces aspartic acid with asparagine at codon 290 of the BARD1 protein (p.Asp290Asn). The aspartic acid residue is moderately conserved and there is a small physicochemical difference between aspartic acid and asparagine.